The following is an entry in ClinVar:

ClinVar aggregate classification (germline): Uncertain significance (1 of 4 stars; one submission).

Submission:

GeneDx
Classification: Uncertain significance. Last evaluated: 2022-04-13. Review status: criteria provided, single submitter. Criteria: GeneDx Variant Classification Process June 2021. Collection method: clinical testing. Allele origin: germline. Affected: yes.
Comment: Not observed at significant frequency in large population cohorts (gnomAD); In silico analysis supports that this missense variant does not alter protein structure/function; Has not been previously published as pathogenic or benign to our knowledge

NM_054027.6(ANKH):c.1063G>C (p.Asp355His)

Gene: ANKH (ANKH inorganic pyrophosphate transport regulator; minus strand). Cytogenetic location: 5p15.2.
Variant type: single nucleotide variant.
Coding change: c.1063G>C on transcript NM_054027.6 (MANE Select); coding-DNA position 1063, G replaced by C.
Protein change: p.Asp355His; replaces aspartic acid 355 with histidine.
Molecular consequence: missense variant.
Genome position (GRCh38, 1-based): chr5:14,716,784, C>G on the plus strand (G>C on the coding strand, the complement: ANKH is on the minus strand). VCF-style: chr5-14716784-C-G. GRCh37 (hg19) VCF-style: chr5-14716893-C-G.
Other names: short protein forms D355H.
Identifiers: ClinVar variation 1710550 (VCV001710550.2), dbSNP rs1248123708, ClinGen allele CA359245399.